The following is an entry in ClinVar:

NM_001035.3(RYR2):c.8073del (p.Lys2691fs)

Gene: RYR2 (ryanodine receptor 2; plus strand). Cytogenetic location: 1q43.
Variant type: Deletion.
Coding change: c.8073del on transcript NM_001035.3 (MANE Select); coding-DNA position 8073, one base deleted (A; older notation c.8073delA).
Protein change: p.Lys2691fs; shifts the reading frame from lysine 2691.
Molecular consequence: frameshift variant.
Genome position (GRCh38, 1-based): chr1:237,655,928, A deleted; the last of 5 consecutive A bases (chr1:237,655,924-237,655,928); deleting any one gives the same sequence. VCF-style (leftmost placement, unchanged base first): chr1-237655923-GA-G. GRCh37 (hg19) VCF-style: chr1-237819223-GA-G.
Other names: c.8073delA (NM_001035.2); short protein forms K2691fs.
Identifiers: ClinVar variation 2420433 (VCV002420433.7), dbSNP rs2547083904, ClinGen allele CA2580062459.

ClinVar aggregate classification (germline): Uncertain significance. Review status: criteria provided, multiple submitters, no conflicts (2 of 4 stars). 2 submissions from 2 submitters: Uncertain significance (2). Last evaluated 2025-10-17.

Conditions:
Cardiovascular phenotype. Identifiers: MedGen CN230736.
Catecholaminergic polymorphic ventricular tachycardia 1. Also called: VENTRICULAR TACHYCARDIA, CATECHOLAMINERGIC POLYMORPHIC, 1, WITH OR WITHOUT ATRIAL DYSFUNCTION AND/OR DILATED CARDIOMYOPATHY; VENTRICULAR TACHYCARDIA, STRESS-INDUCED POLYMORPHIC 1; RYR2-Related Catecholaminergic Polymorphic Ventricular Tachycardia. Identifiers: Orphanet 3286, MedGen C1631597, MONDO:0011484, OMIM 604772.

Submissions (2):

Ambry Genetics
Classification: Uncertain significance for Cardiovascular phenotype. Last evaluated: 2025-10-17. Review status: criteria provided, single submitter. Criteria: Ambry Variant Classification Scheme 2023. Collection method: clinical testing. Allele origin: germline.
Comment: The c.8073delA variant, located in coding exon 53 of the RYR2 gene, results from a deletion of one nucleotide at nucleotide position 8073, causing a translational frameshift with a predicted alternate stop codon (p.K2691Nfs*66). This alteration is expected to result in protein truncation or nonsense-mediated mRNA decay. However, loss of function has not been established as a mechanism of disease. Based on the available evidence, the clinical significance of this alteration remains unclear.

Labcorp Genetics (formerly Invitae), Labcorp
Classification: Uncertain significance for Catecholaminergic polymorphic ventricular tachycardia 1. Last evaluated: 2022-05-11. Review status: criteria provided, single submitter. Criteria: Invitae Variant Classification Sherloc (09022015). Collection method: clinical testing. Allele origin: germline.
Comment: This sequence change creates a premature translational stop signal (p.Lys2691Asnfs*66) in the RYR2 gene. It is expected to result in an absent or disrupted protein product. However, the current clinical and genetic evidence is not sufficient to establish whether loss-of-function variants in RYR2 cause disease. This variant is not present in population databases (gnomAD no frequency). This variant has not been reported in the literature in individuals affected with RYR2-related conditions. In summary, the available evidence is currently insufficient to determine the role of this variant in disease. Therefore, it has been classified as a Variant of Uncertain Significance.